The following is an entry in ClinVar:

ClinVar aggregate classification (germline): Benign. Review status: reviewed by expert panel (3 of 4 stars). 30 submissions from 28 submitters: Benign (1). 29 of the submissions do not count toward it. Last evaluated 2015-01-12.
ClinVar aggregate classification (somatic clinical impact): Tier IV - Benign/Likely benign (0 of 4 stars; one submission).

Conditions:
BRCA2-related disorder. Also called: BRCA2-related condition; BRCA2-related disorders. Identifiers: MedGen CN239275.
Hereditary cancer-predisposing syndrome. Also called: Tumor predisposition; Hereditary neoplastic syndrome; Neoplastic Syndromes, Hereditary; Hereditary Cancer Syndrome. Identifiers: Orphanet 140162, MedGen C0027672, MeSH D009386, MONDO:0015356.
Hereditary breast ovarian cancer syndrome. Also called: Hereditary breast and ovarian cancer; BRCA1- and BRCA2-Associated Hereditary Breast and Ovarian Cancer; Hereditary breast and/or ovarian cancer syndrome; Hereditary breast and ovarian cancer syndrome; Hereditary breast and ovarian cancer syndrome (HBOC); Breast and ovarian cancer. Identifiers: Orphanet 145, MedGen C0677776, MeSH D061325, MONDO:0003582. Disease mechanism: loss of function.
Breast-ovarian cancer, familial, susceptibility to, 2 (BROVCA2). Also called: BRCA2 Hereditary Breast and Ovarian Cancer. Identifiers: Orphanet 145, MedGen C2675520, MONDO:0012933, OMIM 612555. Disease mechanism: loss of function.
Fanconi anemia complementation group D1. Also called: BRCA2-Related Fanconi Anemia. Identifiers: Orphanet 319462, MedGen C1838457, MONDO:0011584, OMIM 605724.
Familial cancer of breast. Also called: hereditary breast carcinoma; Hereditary breast cancer; BREAST CANCER, FAMILIAL. Identifiers: Orphanet 227535, MedGen C0346153, MONDO:0016419, OMIM 114480. Disease mechanism: loss of function.
Malignant tumor of breast. Also called: Malignant breast neoplasm; Cancer breast. Identifiers: MedGen C0006142, MONDO:0007254. Disease mechanism: loss of function.

Allele frequency attached by ClinVar (database versions not stated): 1000 Genomes Project 30x 0.97283; 1000 Genomes Project 0.97404; ESP Exome Variant Server 0.97577; TOPMed 0.97598; gnomAD 0.97986.
gnomAD v4.1: 1,607,361 of 1,614,006 alleles (100%); highest among the groups gnomAD compares: East Asian, 100%; 800,587 homozygotes.

Submissions 1 to 20 of 31:

Evidence-based Network for the Interpretation of Germline Mutant Alleles (ENIGMA)
Classification: Benign for Breast-ovarian cancer, familial 2. Last evaluated: 2015-01-12. Review status: reviewed by expert panel. Criteria: ENIGMA BRCA1/2 Classification Criteria (2015). Collection method: curation. Allele origin: germline.
Comment: Class 1 not pathogenic based on frequency >1% in an outbred sampleset. Frequency 0.8902 (African), derived from 1000 genomes (2012-04-30).

Labcorp Genetics (formerly Invitae), Labcorp
Classification: Benign for Hereditary breast ovarian cancer syndrome. Last evaluated: 2026-02-04. Review status: criteria provided, single submitter. Criteria: Invitae Variant Classification Sherloc (09022015). Collection method: clinical testing. Allele origin: germline. Not counted in ClinVar's aggregate classification.

ARUP Laboratories, Molecular Genetics and Genomics, ARUP Laboratories
Classification: Benign. Last evaluated: 2025-07-31. Review status: criteria provided, single submitter. Criteria: ARUP Molecular Germline Variant Investigation Process 2024. Collection method: clinical testing. Allele origin: germline. Not counted in ClinVar's aggregate classification.

KCCC/NGS Laboratory, Kuwait Cancer Control Center
Classification: Benign for Familial cancer of breast. Last evaluated: 2025-02-01. Review status: criteria provided, single submitter. Criteria: ACMG Guidelines, 2015. Collection method: clinical testing. Allele origin: germline. Affected: no. Not counted in ClinVar's aggregate classification.

Blueprint Genetics
Classification: Benign. Last evaluated: 2024-11-27. Review status: criteria provided, single submitter. Criteria: ACMG Guidelines, 2015. Collection method: clinical testing. Allele origin: germline. Not counted in ClinVar's aggregate classification.

KCCC/NGS Laboratory, Kuwait Cancer Control Center
Classification: Benign for Breast-ovarian cancer, familial, susceptibility to, 2. Last evaluated: 2023-07-07. Review status: criteria provided, single submitter. Criteria: ACMG Guidelines, 2015. Collection method: clinical testing. Allele origin: germline. Affected: yes. Not counted in ClinVar's aggregate classification.

National Health Laboratory Service, Universitas Academic Hospital and University of the Free State
Classification: Benign for Hereditary breast ovarian cancer syndrome. Last evaluated: 2022-04-19. Review status: criteria provided, single submitter. Criteria: ACMG Guidelines, 2015. Collection method: clinical testing. Allele origin: germline. Affected: yes. Observed: 1,363 variant alleles. Not counted in ClinVar's aggregate classification.

Genetics Program, Instituto Nacional de Cancer
Classification: Benign for Hereditary breast ovarian cancer syndrome. Last evaluated: 2021-11-01. Review status: criteria provided, single submitter. Criteria: ACMG Guidelines, 2015. Collection method: research. Allele origin: germline. Affected: yes. Not counted in ClinVar's aggregate classification.

Illumina Laboratory Services, Illumina
Classification: Benign for Breast-ovarian cancer, familial, susceptibility to, 2. Last evaluated: 2018-01-12. Review status: criteria provided, single submitter. Criteria: ICSL Variant Classification Criteria 13 December 2019. Collection method: clinical testing. Allele origin: germline. Not counted in ClinVar's aggregate classification.
Comment: This variant was observed in the ICSL laboratory as part of a predisposition screen in an ostensibly healthy population. It had not been previously curated by ICSL or reported in the Human Gene Mutation Database (HGMD: prior to June 1st, 2018), and was therefore a candidate for classification through an automated scoring system. Utilizing variant allele frequency, disease prevalence and penetrance estimates, and inheritance mode, an automated score was calculated to assess if this variant is too frequent to cause the disease. Based on the score and internal cut-off values, a variant classified as benign is not then subjected to further curation. The score for this variant resulted in a classification of benign for this disease.

Illumina Laboratory Services, Illumina
Classification: Benign for Fanconi anemia complementation group D1. Last evaluated: 2018-01-12. Review status: criteria provided, single submitter. Criteria: ICSL Variant Classification Criteria 13 December 2019. Collection method: clinical testing. Allele origin: germline. Not counted in ClinVar's aggregate classification.
Comment: the same text as in the submission from Illumina Laboratory Services, Illumina above.

GeneKor MSA
Classification: Benign. Last evaluated: 2017-11-01. Review status: criteria provided, single submitter. Criteria: ACMG Guidelines, 2015. Collection method: clinical testing. Allele origin: germline. Affected: yes. Not counted in ClinVar's aggregate classification.

Cancer Genetics and Genomics Laboratory, British Columbia Cancer Agency
Classification: Benign. Last evaluated: 2017-04-18. Review status: criteria provided, single submitter. Criteria: ACMG Guidelines, 2015. Collection method: clinical testing. Allele origin: germline. Study: The Canadian Open Genetics Repository (COGR). Not counted in ClinVar's aggregate classification.

Baylor Genetics
Classification: Benign for Familial cancer of breast. Last evaluated: 2017-02-23. Review status: criteria provided, single submitter. Criteria: ACMG Guidelines, 2015. Collection method: clinical testing. Allele origin: germline. Inheritance: Autosomal dominant inheritance. Affected: no. Not counted in ClinVar's aggregate classification.

Laboratory for Molecular Medicine, Mass General Brigham Personalized Medicine
Classification: Benign. Last evaluated: 2016-03-18. Review status: criteria provided, single submitter. Criteria: LMM Criteria. Collection method: clinical testing. Allele origin: germline. Observed: 3 variant alleles. Not counted in ClinVar's aggregate classification.
Comment: This is a RefSeq error. The reference base (c.4563A) is the minor allele. This a llele (A) has been identified in 7.4% (758/10300) of African chromosomes by the Exome Aggregation Consortium (ExAC; dbSNP rs2060 75) and thus meets criteria to be classified as benign.

Eurofins Ntd Llc (ga)
Classification: Benign. Last evaluated: 2015-10-13. Review status: criteria provided, single submitter. Criteria: EGL Classification Definitions 2015. Collection method: clinical testing. Allele origin: germline. Observed: 407 variant alleles, 12 heterozygotes, 396 homozygotes. Not counted in ClinVar's aggregate classification.

Color Diagnostics, LLC DBA Color Health
Classification: Benign for Hereditary cancer-predisposing syndrome. Last evaluated: 2015-03-31. Review status: criteria provided, single submitter. Criteria: ACMG Guidelines, 2015. Collection method: clinical testing. Allele origin: germline. Not counted in ClinVar's aggregate classification.

GeneDx
Classification: Benign. Last evaluated: 2014-12-09. Review status: criteria provided, single submitter. Criteria: GeneDx Variant Classification (06012015). Collection method: clinical testing. Allele origin: germline. Affected: yes. Not counted in ClinVar's aggregate classification.
Comment: This variant is considered likely benign or benign based on one or more of the following criteria: it is a conservative change, it occurs at a poorly conserved position in the protein, it is predicted to be benign by multiple in silico algorithms, and/or has population frequency not consistent with disease.

Ambry Genetics
Classification: Benign for Hereditary cancer-predisposing syndrome. Last evaluated: 2014-11-19. Review status: criteria provided, single submitter. Criteria: Ambry Variant Classification Scheme 2023. Collection method: clinical testing. Allele origin: germline. Not counted in ClinVar's aggregate classification.

Molecular Genetics Laboratory, University of Michigan
Classification: Benign for Breast-ovarian cancer, familial, susceptibility to, 2. Last evaluated: 2014-11-03. Review status: criteria provided, single submitter. Criteria: ACMG Guidelines, 2015. Collection method: clinical testing. Allele origin: germline. Affected: yes. Not counted in ClinVar's aggregate classification.

Genome Diagnostics Laboratory, University Medical Center Utrecht
Classification: Benign for Breast-ovarian cancer, familial, susceptibility to, 2. Last evaluated: 2014-10-10. Review status: criteria provided, single submitter. Criteria: ACGS Guidelines, 2013. Collection method: clinical testing. Allele origin: germline. Affected: yes. Study: VKGL Data-share Consensus. Not counted in ClinVar's aggregate classification.

NM_000059.4(BRCA2):c.4563A>G (p.Leu1521=)

Gene: BRCA2 (BRCA2 DNA repair associated; plus strand). Cytogenetic location: 13q13.1.
Variant type: single nucleotide variant.
Coding change: c.4563A>G on transcript NM_000059.4 (MANE Select); coding-DNA position 4563, A replaced by G.
Protein change: p.Leu1521=; no amino-acid change (leucine 1521 retained).
Molecular consequence: synonymous variant.
Genome position (GRCh38, 1-based): chr13:32,338,918, A>G. VCF-style: chr13-32338918-A-G. GRCh37 (hg19) VCF-style: chr13-32913055-A-G.
Other names: p.L1521L:CTA>CTG; 4791 A>G; NP_000050.3:p.Leu1521=.
Identifiers: ClinVar variation 132779 (VCV000132779.95), dbSNP rs206075, ClinGen allele CA020461.